The following is an entry in ClinVar:

ClinVar aggregate classification (germline): Uncertain significance. Review status: criteria provided, multiple submitters, no conflicts (2 of 4 stars). 2 submissions from 2 submitters: Uncertain significance (2). Last evaluated 2024-10-16.

Conditions:
Muscle AMP deaminase deficiency (MMDD). Also called: Myoadenylate deaminase deficiency, myopathy due to; Adenosine monophosphate deaminase 1 deficiency; AMP deaminase 1 deficiency; Adenosine Monophosphate Deaminase 1; ADENOSINE MONOPHOSPHATE DEAMINASE-1 DEFICIENCY, MYOPATHY DUE TO; AMPD1 DEFICIENCY. Identifiers: Orphanet 45, MedGen C3714933, MONDO:0014220, OMIM 615511.

Allele frequency attached by ClinVar (database versions not stated): gnomAD exomes 0.00001; ESP Exome Variant Server 0.00008.
gnomAD v4.1: 23 of 1,613,940 alleles (0.0014%); highest among the groups gnomAD compares: African/African-American, 0.0053%; no homozygotes.

Submissions (2):

Labcorp Genetics (formerly Invitae), Labcorp
Classification: Uncertain significance for Muscle AMP deaminase deficiency. Last evaluated: 2024-10-16. Review status: criteria provided, single submitter. Criteria: Invitae Variant Classification Sherloc (09022015). Collection method: clinical testing. Allele origin: germline.
Comment: This sequence change creates a premature translational stop signal (p.Arg603*) in the AMPD1 gene. It is expected to result in an absent or disrupted protein product. However, the current clinical and genetic evidence is not sufficient to establish whether loss-of-function variants in AMPD1 cause disease. This variant is present in population databases (rs377185948, gnomAD 0.008%). This variant has not been reported in the literature in individuals affected with AMPD1-related conditions. ClinVar contains an entry for this variant (Variation ID: 1370488). In summary, the available evidence is currently insufficient to determine the role of this variant in disease. Therefore, it has been classified as a Variant of Uncertain Significance.

Revvity Omics, Revvity
Classification: Uncertain significance for Muscle AMP deaminase deficiency. Last evaluated: 2019-07-23. Review status: criteria provided, single submitter. Criteria: ACMG Guidelines, 2015. Collection method: clinical testing. Allele origin: germline.

NM_000036.3(AMPD1):c.1708C>T (p.Arg570Ter)

Gene: AMPD1 (adenosine monophosphate deaminase 1; minus strand). Cytogenetic location: 1p13.2.
Variant type: single nucleotide variant.
Coding change: c.1708C>T on transcript NM_000036.3 (MANE Select); coding-DNA position 1708, C replaced by T.
Protein change: p.Arg570Ter; replaces arginine 570 with a stop codon.
Molecular consequence: nonsense.
Genome position (GRCh38, 1-based): chr1:114,674,844, G>A on the plus strand (C>T on the coding strand, the complement: AMPD1 is on the minus strand). VCF-style: chr1-114674844-G-A. GRCh37 (hg19) VCF-style: chr1-115217465-G-A.
Other names: c.1696C>T, p.Arg566Ter (NM_001172626.2); c.1807C>T (NM_000036.2); short protein forms R566*, R570*.
Identifiers: ClinVar variation 1370488 (VCV001370488.8), dbSNP rs377185948, ClinGen allele CA29052646.
Genomic context (GRCh38, chr1:114,674,844, plus strand): 5'-CTGCTATCATGAATGCTGTCATGAGATGGGTGAGGGCTCCAGCTTCTCCACAGTGAGGTC[G>A]GAACAGAAACGTATTCATGCCTCGTTCCCTGGGGAAATAGAACTGCTATTGGAATCGCAG-3'